The following is an entry in ClinVar:

ClinVar aggregate classification (germline): Uncertain significance (1 of 4 stars; one submission).

Conditions:
Familial focal epilepsy with variable foci (FPEVF). Identifiers: Orphanet 98820, MedGen C1858477, MONDO:0020310.

Allele frequency attached by ClinVar (database versions not stated): gnomAD exomes below 0.00001.
gnomAD v4.1: 6 of 1,613,998 alleles (0.00037%); highest among the groups gnomAD compares: Admixed American, 0.0033%; no homozygotes.

Submission:

Labcorp Genetics (formerly Invitae), Labcorp
Classification: Uncertain significance for Familial focal epilepsy with variable foci. Last evaluated: 2023-12-17. Review status: criteria provided, single submitter. Criteria: Invitae Variant Classification Sherloc (09022015). Collection method: clinical testing. Allele origin: germline.
Comment: This sequence change replaces lysine, which is basic and polar, with arginine, which is basic and polar, at codon 917 of the DEPDC5 protein (p.Lys917Arg). This variant is not present in population databases (gnomAD no frequency). This variant has not been reported in the literature in individuals affected with DEPDC5-related conditions. Experimental studies and prediction algorithms are not available or were not evaluated, and the functional significance of this variant is currently unknown. In summary, the available evidence is currently insufficient to determine the role of this variant in disease. Therefore, it has been classified as a Variant of Uncertain Significance.

NM_001242896.3(DEPDC5):c.2750A>G (p.Lys917Arg)

Gene: DEPDC5 (DEP domain containing 5, GATOR1 subcomplex subunit; plus strand). Cytogenetic location: 22q12.3.
Variant type: single nucleotide variant.
Coding change: c.2750A>G on transcript NM_001242896.3 (MANE Select); coding-DNA position 2750, A replaced by G.
Protein change: p.Lys917Arg; replaces lysine 917 with arginine.
Molecular consequence: missense variant. On other transcripts: non-coding transcript variant (5).
Genome position (GRCh38, 1-based): chr22:31,843,761, A>G. VCF-style: chr22-31843761-A-G. GRCh37 (hg19) VCF-style: chr22-32239747-A-G.
Other names: c.2723A>G, p.Lys908Arg (NM_001136029.4, NM_001369903.1, NM_014662.6); c.2516A>G, p.Lys839Arg (NM_001242897.2, NM_001363854.2, NM_001364319.2); c.2750A>G, p.Lys917Arg (NM_001363852.2, NM_001364318.2, NM_001364320.2); c.2666A>G, p.Lys889Arg (NM_001369901.1, NM_001369902.1); short protein forms K839R, K908R, K889R, K917R.
Identifiers: ClinVar variation 3013921 (VCV003013921.3), dbSNP rs2520122285, ClinGen allele CA411290046.
Genomic context (GRCh38, chr22:31,843,761, plus strand): 5'-CAGACTCAGAGTTCGTCTCCTGCTGGGTGGAATTCTCCCACGAACGGCTGGAGGAGTACA[A>G]GTGGAATTACTTAGATCAGTATATCTGTTCTGCCGGCTCTGAAGACTTCAGGTCAGAGAG-3'
Protein context (NP_001229825.1, residues 907-927): EFSHERLEEY[Lys917Arg]WNYLDQYICS